The following is an entry in ClinVar:

NM_002439.5(MSH3):c.2264A>T (p.Glu755Val)

Gene: MSH3 (mutS homolog 3; plus strand). Cytogenetic location: 5q14.1.
Variant type: single nucleotide variant.
Coding change: c.2264A>T on transcript NM_002439.5 (MANE Select); coding-DNA position 2264, A replaced by T.
Protein change: p.Glu755Val; replaces glutamic acid 755 with valine.
Molecular consequence: missense variant.
Genome position (GRCh38, 1-based): chr5:80,775,704, A>T. VCF-style: chr5-80775704-A-T. GRCh37 (hg19) VCF-style: chr5-80071523-A-T.
Other names: short protein forms E755V.
Identifiers: ClinVar variation 1062900 (VCV001062900.9), dbSNP rs1744285598, ClinGen allele CA360280717.

ClinVar aggregate classification (germline): Uncertain significance (1 of 4 stars; one submission).

Submission:

Labcorp Genetics (formerly Invitae), Labcorp
Classification: Uncertain significance. Last evaluated: 2020-03-09. Review status: criteria provided, single submitter. Criteria: Invitae Variant Classification Sherloc (09022015). Collection method: clinical testing. Allele origin: germline.
Comment: This sequence change replaces glutamic acid with valine at codon 755 of the MSH3 protein (p.Glu755Val). The glutamic acid residue is moderately conserved and there is a moderate physicochemical difference between glutamic acid and valine. This variant is not present in population databases (ExAC no frequency). This variant has not been reported in the literature in individuals with MSH3-related conditions. Algorithms developed to predict the effect of missense changes on protein structure and function are either unavailable or do not agree on the potential impact of this missense change (SIFT: "Deleterious"; PolyPhen-2: "Probably Damaging"; Align-GVGD: "Class C0"). In summary, the available evidence is currently insufficient to determine the role of this variant in disease. Therefore, it has been classified as a Variant of Uncertain Significance.